The following is an entry in ClinVar:

NM_000444.6(PHEX):c.1966-8_2006dup

Genes: PTCHD1-AS (PTCHD1 and PHEX antisense RNA; minus strand), PHEX (phosphate regulating endopeptidase X-linked; plus strand). Cytogenetic location: Xp22.11.
Variant type: Duplication.
Coding change: c.1966-8_2006dup on transcript NM_000444.6 (MANE Select); 8 bases into the intron before coding-DNA position 1966 through coding-DNA position 2006, 49 bases duplicated.
Molecular consequence: splice acceptor variant. On other transcripts: non-coding transcript variant (1).
Genome position (GRCh38, 1-based): chrX:22,227,499-22,227,547, 49 bases duplicated. GRCh37 (hg19): chrX:22,245,616-22,245,664.
Other names: c.1966-8_2006dup (NM_001282754.2).
Identifiers: ClinVar variation 2017104 (VCV002017104.4), dbSNP rs2518676520, ClinGen allele CA2580100529.

ClinVar aggregate classification (germline): Uncertain significance (1 of 4 stars; one submission).

Submission:

Labcorp Genetics (formerly Invitae), Labcorp
Classification: Uncertain significance. Last evaluated: 2022-07-14. Review status: criteria provided, single submitter. Criteria: Invitae Variant Classification Sherloc (09022015). Collection method: clinical testing. Allele origin: germline.
Comment: This sequence change falls in intron 19 of the PHEX gene. It does not directly change the encoded amino acid sequence of the PHEX protein. This variant is not present in population databases (gnomAD no frequency). This variant has been observed in individual(s) with hypophosphatemia (Invitae). This variant is also known as c.1966-8_2006dup (p.Glu669Aspfs*11). Algorithms developed to predict the effect of sequence changes on RNA splicing suggest that this variant may disrupt the consensus splice site. In summary, the available evidence is currently insufficient to determine the role of this variant in disease. Therefore, it has been classified as a Variant of Uncertain Significance.